The following is an entry in ClinVar:

NM_201384.3(PLEC):c.10831G>T (p.Gly3611Cys)

Gene: PLEC (plectin; minus strand). Cytogenetic location: 8q24.3.
Variant type: single nucleotide variant.
Coding change: c.10831G>T on transcript NM_201384.3 (MANE Select); coding-DNA position 10831, G replaced by T.
Protein change: p.Gly3611Cys; replaces glycine 3611 with cysteine.
Molecular consequence: missense variant.
Genome position (GRCh38, 1-based): chr8:143,918,990, C>A on the plus strand (G>T on the coding strand, the complement: PLEC is on the minus strand). VCF-style: chr8-143918990-C-A. GRCh37 (hg19) VCF-style: chr8-144993158-C-A.
Other names: c.10912G>T, p.Gly3638Cys (NM_000445.5); c.7531G>T, p.Gly2511Cys (NM_001410941.1); c.10789G>T, p.Gly3597Cys (NM_201378.4); c.10765G>T, p.Gly3589Cys (NM_201379.3); c.11242G>T, p.Gly3748Cys (NM_201380.4); c.10735G>T, p.Gly3579Cys (NM_201381.3); c.10831G>T, p.Gly3611Cys (NM_201382.4); c.10843G>T, p.Gly3615Cys (NM_201383.3); short protein forms G2511C, G3638C, G3589C, G3611C, G3615C, G3579C, G3597C, G3748C.
Identifiers: ClinVar variation 4788857 (VCV004788857.1).
Genomic context (GRCh38, chr8:143,918,990, plus strand): 5'-TCTCTGTCTTCTCAATGATCTCGATGATGATGATGATCATGCGTTCCTTGGTCACCCGGC[C>A]GGCCTGGAAGTCAGCCATCAGCTGGGCCCGCTGCTCCTCGGGGATCAGGTCCGACTGCAT-3'
Protein context (NP_958786.1, residues 3601-3621): RAQLMADFQA[Gly3611Cys]RVTKERMIII

ClinVar aggregate classification (germline): Uncertain significance (1 of 4 stars; one submission).

Conditions:
Epidermolysis bullosa simplex with nail dystrophy (EBS5D). Identifiers: MedGen C4225309, MONDO:0014661, OMIM 616487.
Epidermolysis bullosa simplex, Ogna type (EBS5A). Also called: EPIDERMOLYSIS BULLOSA SIMPLEX 5A, OGNA TYPE; Pidermolysis bullosa simplex 5A, Ogna type. Identifiers: Orphanet 79401, MedGen C0432317, MONDO:0007555, OMIM 131950.
Autosomal recessive limb-girdle muscular dystrophy type 2Q (LGMDR17). Also called: MUSCULAR DYSTROPHY, LIMB-GIRDLE, AUTOSOMAL RECESSIVE 17. Identifiers: Orphanet 254361, MedGen C3150989, MONDO:0013390, OMIM 613723.
Epidermolysis bullosa simplex 5B, with muscular dystrophy (EBS5B). Also called: EPIDERMOLYSIS BULLOSA SIMPLEX AND LIMB-GIRDLE MUSCULAR DYSTROPHY; Epidermolysis bullosa simplex with muscular dystrophy. Identifiers: Orphanet 257, MedGen C2931072, MONDO:0009181, OMIM 226670.
Epidermolysis bullosa simplex 5C, with pyloric atresia (EBS5C). Also called: PLEC-Related Epidermolysis Bullosa with Pyloric Atresia; Epidermolysis bullosa simplex with pyloric atresia; PLEC1-Related Epidermolysis Bullosa with Pyloric Atresia. Identifiers: Orphanet 158684, MedGen C2677349, MONDO:0012807, OMIM 612138.

gnomAD v4.1: 3 of 1,611,232 alleles (0.00019%); highest among the groups gnomAD compares: Non-Finnish European, 0.00025%; no homozygotes.

Submission:

Labcorp Genetics (formerly Invitae), Labcorp
Classification: Uncertain significance for Autosomal recessive limb-girdle muscular dystrophy type 2Q; Epidermolysis bullosa simplex, Ogna type; Epidermolysis bullosa simplex with nail dystrophy; Epidermolysis bullosa simplex 5C, with pyloric atresia; Epidermolysis bullosa simplex 5B, with muscular dystrophy. Last evaluated: 2025-07-31. Review status: criteria provided, single submitter. Criteria: Invitae Variant Classification Sherloc (09022015). Collection method: clinical testing. Allele origin: germline.
Comment: This sequence change replaces glycine, which is neutral and non-polar, with cysteine, which is neutral and slightly polar, at codon 3638 of the PLEC protein (p.Gly3638Cys). This variant is present in population databases (no rsID available, gnomAD 0.0009%). This variant has not been reported in the literature in individuals affected with PLEC-related conditions. An algorithm developed to predict the effect of missense changes on protein structure and function (PolyPhen-2) suggests that this variant is likely to be disruptive. In summary, the available evidence is currently insufficient to determine the role of this variant in disease. Therefore, it has been classified as a Variant of Uncertain Significance.